The following is an entry in ClinVar:

ClinVar aggregate classification (germline): Uncertain significance (1 of 4 stars; one submission).

Submission:

Women's Health and Genetics/Laboratory Corporation of America, LabCorp
Classification: Uncertain significance. Last evaluated: 2026-01-08. Review status: criteria provided, single submitter. Criteria: LabCorp Variant Classification Summary - May 2015. Collection method: clinical testing. Allele origin: germline.
Comment: Variant summary: KCNQ2 c.2551C>T (p.Pro851Ser) results in a non-conservative amino acid change in the encoded protein sequence. Algorithms developed to predict the effect of missense changes on protein structure and function are either unavailable or do not agree on the potential impact of this missense change. The variant was absent in 217778 control chromosomes. The available data on variant occurrences in the general population are insufficient to allow any conclusion about variant significance. To our knowledge, no occurrence of c.2551C>T in individuals affected with KCNQ2-related conditions and no experimental evidence demonstrating its impact on protein function have been reported. No submitters have cited clinical-significance assessments for this variant to ClinVar. Based on the evidence outlined above, the variant was classified as uncertain significance.

NM_172107.4(KCNQ2):c.2551C>T (p.Pro851Ser)

Gene: KCNQ2 (potassium voltage-gated channel subfamily Q member 2; minus strand). Cytogenetic location: 20q13.33.
Variant type: single nucleotide variant.
Coding change: c.2551C>T on transcript NM_172107.4 (MANE Select); coding-DNA position 2551, C replaced by T.
Protein change: p.Pro851Ser; replaces proline 851 with serine.
Molecular consequence: missense variant.
Genome position (GRCh38, 1-based): chr20:63,406,712, G>A on the plus strand (C>T on the coding strand, the complement: KCNQ2 is on the minus strand). VCF-style: chr20-63406712-G-A. GRCh37 (hg19) VCF-style: chr20-62038065-G-A.
Other names: c.2605C>T, p.Pro869Ser (NM_001382235.1); c.2494C>T, p.Pro832Ser (NM_001439003.1); c.2464C>T, p.Pro822Ser (NM_001439004.1); c.2467C>T, p.Pro823Ser (NM_004518.6); c.2497C>T, p.Pro833Ser (NM_172106.3); c.2458C>T, p.Pro820Ser (NM_172108.5); short protein forms P820S, P822S, P823S, P832S, P833S, P851S, P869S.
Identifiers: ClinVar variation 4689528 (VCV004689528.1).